The following is an entry in ClinVar:

ClinVar aggregate classification (germline): Uncertain significance (1 of 4 stars; one submission).

Conditions:
Developmental and epileptic encephalopathy, 13 (DEE13). Also called: Early infantile epileptic encephalopathy 13; Developmental and Epileptic Encephalopathy (SCN8A-DEE); SCN8A-Related Epilepsy. Identifiers: Orphanet 442835, MedGen C3281191, MONDO:0013801, OMIM 614558.

Submission:

MVZ Medizinische Genetik Mainz
Classification: Uncertain significance for Developmental and epileptic encephalopathy, 13. Last evaluated: 2025-01-14. Review status: criteria provided, single submitter. Criteria: UK Practice Guidelines For Variant Classification V4 01 2020. Collection method: clinical testing. Allele origin: germline. Inheritance: Autosomal dominant inheritance. Affected: yes. Observed: 1 variant allele.
Comment: ACMG Criteria: PP3_MOD,PS4_SUP,PM2_SUP

NM_001330260.2(SCN8A):c.565T>G (p.Phe189Val)

Gene: SCN8A (sodium voltage-gated channel alpha subunit 8; plus strand). Cytogenetic location: 12q13.13.
Variant type: single nucleotide variant.
Coding change: c.565T>G on transcript NM_001330260.2 (MANE Select); coding-DNA position 565, T replaced by G.
Protein change: p.Phe189Val; replaces phenylalanine 189 with valine.
Molecular consequence: missense variant.
Genome position (GRCh38, 1-based): chr12:51,687,170, T>G. VCF-style: chr12-51687170-T-G. GRCh37 (hg19) VCF-style: chr12-52080954-T-G.
Other names: c.565T>G, p.Phe189Val (NM_001177984.3, NM_001369788.1, NM_014191.4); short protein forms F189V.
Identifiers: ClinVar variation 3601991 (VCV003601991.1).
Genomic context (GRCh38, chr12:51,687,170, plus strand): 5'-TATACATTTGAATCACTAGTGAAAATCATTGCAAGAGGTTTCTGCATAGATGGCTTTACC[T>G]TTTTACGGGACCCATGGAACTGGTTAGATTTCAGTGTCATCATGATGGCGTAAGTTCTCC-3'
Protein context (NP_001317189.1, residues 179-199): ARGFCIDGFT[Phe189Val]LRDPWNWLDF